The following is an entry in ClinVar:

ClinVar aggregate classification (germline): Uncertain significance (1 of 4 stars; one submission).

Allele frequency attached by ClinVar (database versions not stated): gnomAD exomes below 0.00001.
gnomAD v4.1: 1 of 1,613,176 alleles (0.000062%); highest among the groups gnomAD compares: Admixed American, 0.0017%; no homozygotes.

Submission:

Labcorp Genetics (formerly Invitae), Labcorp
Classification: Uncertain significance. Last evaluated: 2022-11-04. Review status: criteria provided, single submitter. Criteria: Invitae Variant Classification Sherloc (09022015). Collection method: clinical testing. Allele origin: germline.
Comment: In summary, the available evidence is currently insufficient to determine the role of this variant in disease. Therefore, it has been classified as a Variant of Uncertain Significance. Algorithms developed to predict the effect of missense changes on protein structure and function output the following: SIFT: "Tolerated"; PolyPhen-2: "Benign"; Align-GVGD: "Class C0". The glutamic acid amino acid residue is found in multiple mammalian species, which suggests that this missense change does not adversely affect protein function. This variant has not been reported in the literature in individuals affected with NFKB1-related conditions. This variant is present in population databases (no rsID available, gnomAD 0.003%). This sequence change replaces glutamine, which is neutral and polar, with glutamic acid, which is acidic and polar, at codon 508 of the NFKB1 protein (p.Gln508Glu).

NM_003998.4(NFKB1):c.1522C>G (p.Gln508Glu)

Gene: NFKB1 (nuclear factor kappa B subunit 1; plus strand). Cytogenetic location: 4q24.
Variant type: single nucleotide variant.
Coding change: c.1522C>G on transcript NM_003998.4 (MANE Select); coding-DNA position 1522, C replaced by G.
Protein change: p.Gln508Glu; replaces glutamine 508 with glutamic acid.
Molecular consequence: missense variant.
Genome position (GRCh38, 1-based): chr4:102,597,546, C>G. VCF-style: chr4-102597546-C-G. GRCh37 (hg19) VCF-style: chr4-103518703-C-G.
Other names: c.1519C>G, p.Gln507Glu (NM_001165412.2, NM_001319226.2, NM_001382627.1); c.1522C>G, p.Gln508Glu (NM_001382625.1, NM_001382626.1); c.1480C>G, p.Gln494Glu (NM_001382628.1); short protein forms Q494E, Q507E, Q508E.
Identifiers: ClinVar variation 2982649 (VCV002982649.3), dbSNP rs1445140594, ClinGen allele CA357751289.